The following is an entry in ClinVar:

NM_001330723.2(SNX27):c.130G>T (p.Val44Leu)

Genes: SNX27 (sorting nexin 27; plus strand), LOC129931442 (ATAC-STARR-seq lymphoblastoid silent region 1324; plus strand). Cytogenetic location: 1q21.3.
Variant type: single nucleotide variant.
Coding change: c.130G>T on transcript NM_001330723.2 (MANE Select); coding-DNA position 130, G replaced by T.
Protein change: p.Val44Leu; replaces valine 44 with leucine.
Molecular consequence: missense variant.
Genome position (GRCh38, 1-based): chr1:151,612,331, G>T. VCF-style: chr1-151612331-G-T. GRCh37 (hg19) VCF-style: chr1-151584807-G-T.
Other names: c.130G>T, p.Val44Leu (NM_030918.6); short protein forms V44L.
Identifiers: ClinVar variation 1464331 (VCV001464331.3), dbSNP rs747108673, ClinGen allele CA1093352.

ClinVar aggregate classification (germline): Uncertain significance (1 of 4 stars; one submission).

Conditions:
Severe myoclonic epilepsy in infancy (DRVT). Also called: Severe Myoclonic Epilepsy in Infancy (SMEI); SEVERE MYOCLONIC EPILEPSY OF INFANCY; DEVELOPMENTAL AND EPILEPTIC ENCEPHALOPATHY 6A; Epileptic encephalopathy, early infantile, 6 (Dravet syndrome); Dravet syndrome. Identifiers: Orphanet 33069, MedGen C0751122, MONDO:0100135, OMIM 607208.

gnomAD v4.1: 3 of 1,533,644 alleles (0.0002%); highest among the groups gnomAD compares: East Asian, 0.0027%; no homozygotes.

Submission:

Labcorp Genetics (formerly Invitae), Labcorp
Classification: Uncertain significance for Severe myoclonic epilepsy in infancy. Last evaluated: 2021-11-26. Review status: criteria provided, single submitter. Criteria: Invitae Variant Classification Sherloc (09022015). Collection method: clinical testing. Allele origin: germline.
Comment: This sequence change replaces valine, which is neutral and non-polar, with leucine, which is neutral and non-polar, at codon 44 of the SNX27 protein (p.Val44Leu). The frequency data for this variant in the population databases is considered unreliable, as metrics indicate poor data quality at this position in the gnomAD database. This variant has not been reported in the literature in individuals affected with SNX27-related conditions. Algorithms developed to predict the effect of missense changes on protein structure and function are either unavailable or do not agree on the potential impact of this missense change (SIFT: "Deleterious"; PolyPhen-2: "Probably Damaging"; Align-GVGD: "Class C0"). In summary, the available evidence is currently insufficient to determine the role of this variant in disease. Therefore, it has been classified as a Variant of Uncertain Significance.